The following is an entry in ClinVar:

NM_004977.3(KCNC3):c.693C>A (p.Gly231=)

Gene: KCNC3 (potassium voltage-gated channel subfamily C member 3; minus strand). Cytogenetic location: 19q13.33.
Variant type: single nucleotide variant.
Coding change: c.693C>A on transcript NM_004977.3 (MANE Select); coding-DNA position 693, C replaced by A.
Protein change: p.Gly231=; no amino-acid change (glycine 231 retained).
Molecular consequence: synonymous variant.
Genome position (GRCh38, 1-based): chr19:50,328,390, G>T on the plus strand (C>A on the coding strand, the complement: KCNC3 is on the minus strand). VCF-style: chr19-50328390-G-T. GRCh37 (hg19) VCF-style: chr19-50831647-G-T.
Other names: c.465C>A, p.Gly155= (NM_001372305.1).
Identifiers: ClinVar variation 2571052 (VCV002571052.27), dbSNP rs1477712643, ClinGen allele CA508303343.

ClinVar aggregate classification (germline): Likely benign (1 of 4 stars; one submission).

Allele frequency attached by ClinVar (database versions not stated): gnomAD 0.00001; TOPMed 0.00001.

Submission:

CeGaT Center for Human Genetics Tuebingen
Classification: Likely benign. Last evaluated: 2026-02-01. Review status: criteria provided, single submitter. Criteria: CeGaT Center For Human Genetics Tuebingen Variant Classification Criteria Version 2. Collection method: clinical testing. Allele origin: germline. Affected: yes. Observed: 1 variant allele.
Comment: KCNC3: BP4, BP7